The following is an entry in ClinVar:

NM_001001548.3(CD36):c.1225T>G (p.Tyr409Asp)

Gene: CD36 (CD36 molecule (CD36 blood group); plus strand). Cytogenetic location: 7q21.11.
Variant type: single nucleotide variant.
Coding change: c.1225T>G on transcript NM_001001548.3 (MANE Select); coding-DNA position 1225, T replaced by G.
Protein change: p.Tyr409Asp; replaces tyrosine 409 with aspartic acid.
Molecular consequence: missense variant. On other transcripts: non-coding transcript variant (1).
Genome position (GRCh38, 1-based): chr7:80,673,380, T>G. VCF-style: chr7-80673380-T-G. GRCh37 (hg19) VCF-style: chr7-80302696-T-G.
Other names: c.1225T>G, p.Tyr409Asp (NM_000072.3, NM_001001547.3, NM_001127443.2 and 5 more transcripts); c.1108T>G, p.Tyr370Asp (NM_001289908.1); c.1045T>G, p.Tyr349Asp (NM_001289909.1); c.997T>G, p.Tyr333Asp (NM_001289911.2); c.1123T>G, p.Tyr375Asp (NM_001371079.1); c.760T>G, p.Tyr254Asp (NM_001371080.1, NM_001371081.1); short protein forms Y254D, Y375D, Y409D, Y333D, Y349D, Y370D.
Identifiers: ClinVar variation 4991914 (VCV004991914.1).

ClinVar aggregate classification (germline): Uncertain significance (1 of 4 stars; one submission).

Conditions:
CD36-related disorder. Also called: CD36-related disorders; CD36-related condition.

Submission:

PreventionGenetics, part of Exact Sciences
Classification: Uncertain significance for CD36-related condition. Last evaluated: 2026-03-02. Review status: criteria provided, single submitter. Criteria: ACMG Guidelines, 2015. Collection method: clinical testing. Allele origin: germline.
Comment: The CD36 c.1225T>G variant is predicted to result in the amino acid substitution p.Tyr409Asp. To our knowledge, this variant has not been reported in the literature or in a large population database (gnomAD), indicating this variant is rare. At this time, the clinical significance of this variant is uncertain due to the absence of conclusive functional and genetic evidence.